The following is an entry in ClinVar:

ClinVar aggregate classification (germline): Likely benign. Review status: criteria provided, multiple submitters, no conflicts (2 of 4 stars). 3 submissions from 3 submitters: Likely benign (3). Last evaluated 2026-09-01.

Allele frequency attached by ClinVar (database versions not stated): 1000 Genomes Project 30x 0.00328; 1000 Genomes Project 0.00359; gnomAD 0.00533 and 0.00548; TOPMed 0.00551.
gnomAD v4.1: 6,871 of 1,337,600 alleles (0.51%); highest among the groups gnomAD compares: Middle Eastern, 1.3%; 33 homozygotes.

Submissions (3):

CeGaT Center for Human Genetics Tuebingen
Classification: Likely benign. Last evaluated: 2026-09-01. Review status: criteria provided, single submitter. Criteria: CeGaT Center For Human Genetics Tuebingen Variant Classification Criteria Version 2. Collection method: clinical testing. Allele origin: germline. Affected: yes. Observed: 30 variant alleles.
Comment: AKT1: BS2

GeneDx
Classification: Likely benign. Last evaluated: 2019-06-14. Review status: criteria provided, single submitter. Criteria: GeneDx Variant Classification Process June 2021. Collection method: clinical testing. Allele origin: germline. Affected: yes.

Breakthrough Genomics
Classification: Likely benign. Review status: criteria provided, single submitter. Criteria: ACMG Guidelines, 2015. Collection method: not provided. Allele origin: germline. Inheritance: Autosomal dominant inheritance. Affected: yes.

NM_001382430.1(AKT1):c.1173-89C>T

Gene: AKT1 (AKT serine/threonine kinase 1; minus strand). Cytogenetic location: 14q32.33.
Variant type: single nucleotide variant.
Coding change: c.1173-89C>T on transcript NM_001382430.1 (MANE Select); 89 bases into the intron before coding-DNA position 1173, C replaced by T.
Molecular consequence: intron variant.
Genome position (GRCh38, 1-based): chr14:104,772,541, G>A on the plus strand (C>T on the coding strand, the complement: AKT1 is on the minus strand). VCF-style: chr14-104772541-G-A. GRCh37 (hg19) VCF-style: chr14-105238878-G-A.
Other names: c.1173-89C>T (NM_001014431.2, NM_001014432.2, NM_001382433.1 and 3 more transcripts).
Identifiers: ClinVar variation 1320697 (VCV001320697.16), dbSNP rs149990267, ClinGen allele CA267348876.